The following is an entry in ClinVar:

NM_152564.5(VPS13B):c.884G>A (p.Gly295Asp)

Gene: VPS13B (vacuolar protein sorting 13 homolog B; plus strand). Cytogenetic location: 8q22.2.
Variant type: single nucleotide variant.
Coding change: c.884G>A on transcript NM_152564.5 (MANE Select); coding-DNA position 884, G replaced by A.
Protein change: p.Gly295Asp; replaces glycine 295 with aspartic acid.
Molecular consequence: missense variant. On other transcripts: non-coding transcript variant (1).
Genome position (GRCh38, 1-based): chr8:99,115,821, G>A. VCF-style: chr8-99115821-G-A. GRCh37 (hg19) VCF-style: chr8-100128049-G-A.
Other names: c.884G>A, p.Gly295Asp (NM_015243.3, NM_017890.5, NM_181661.3); short protein forms G295D.
Identifiers: ClinVar variation 1402709 (VCV001402709.9), dbSNP rs1847627643, ClinGen allele CA371860615.

ClinVar aggregate classification (germline): Uncertain significance (1 of 4 stars; one submission).

Conditions:
Cohen syndrome (COH1). Also called: PEPPER SYNDROME; Cutis verticis gyrata, retinitis pigmentosa, and sensorineural deafness. Identifiers: Orphanet 193, MedGen C0265223, MONDO:0008999, OMIM 216550.

Allele frequency attached by ClinVar (database versions not stated): gnomAD exomes below 0.00001.
gnomAD v4.1: 1 of 1,613,694 alleles (0.000062%); highest among the groups gnomAD compares: African/African-American, 0.0013%; no homozygotes.

Submission:

Labcorp Genetics (formerly Invitae), Labcorp
Classification: Uncertain significance for Cohen syndrome. Last evaluated: 2022-02-02. Review status: criteria provided, single submitter. Criteria: Invitae Variant Classification Sherloc (09022015). Collection method: clinical testing. Allele origin: germline.
Comment: In summary, the available evidence is currently insufficient to determine the role of this variant in disease. Therefore, it has been classified as a Variant of Uncertain Significance. Algorithms developed to predict the effect of missense changes on protein structure and function are either unavailable or do not agree on the potential impact of this missense change (SIFT: "Not Available"; PolyPhen-2: "Probably Damaging"; Align-GVGD: "Not Available"). This variant has not been reported in the literature in individuals affected with VPS13B-related conditions. This variant is not present in population databases (gnomAD no frequency). This sequence change replaces glycine, which is neutral and non-polar, with aspartic acid, which is acidic and polar, at codon 295 of the VPS13B protein (p.Gly295Asp).